The following is an entry in ClinVar:

ClinVar aggregate classification (germline): Likely benign (1 of 4 stars; one submission).

gnomAD v4.1: 4 of 1,613,972 alleles (0.00025%); highest among the groups gnomAD compares: Non-Finnish European, 0.00034%; no homozygotes.

Submission:

CeGaT Center for Human Genetics Tuebingen
Classification: Likely benign. Last evaluated: 2026-06-01. Review status: criteria provided, single submitter. Criteria: CeGaT Center For Human Genetics Tuebingen Variant Classification Criteria Version 2. Collection method: clinical testing. Allele origin: germline. Affected: yes. Observed: 1 variant allele.
Comment: HNF1A: BP4, BP7

NM_000545.8(HNF1A):c.1134C>G (p.Pro378=)

Gene: HNF1A (HNF1 homeobox A; plus strand). Cytogenetic location: 12q24.31.
Variant type: single nucleotide variant.
Coding change: c.1134C>G on transcript NM_000545.8 (MANE Select); coding-DNA position 1134, C replaced by G.
Protein change: p.Pro378=; no amino-acid change (proline 378 retained).
Molecular consequence: synonymous variant.
Genome position (GRCh38, 1-based): chr12:120,996,567, C>G. VCF-style: chr12-120996567-C-G. GRCh37 (hg19) VCF-style: chr12-121434370-C-G.
Other names: c.1134C>G, p.Pro378= (NM_001306179.2, NM_001406915.1).
Identifiers: ClinVar variation 4874044 (VCV004874044.2).